The following is an entry in ClinVar:

ClinVar aggregate classification (germline): Pathogenic (1 of 4 stars; one submission).

Submission:

Labcorp Genetics (formerly Invitae), Labcorp
Classification: Pathogenic. Last evaluated: 2025-02-03. Review status: criteria provided, single submitter. Criteria: Invitae Variant Classification Sherloc (09022015). Collection method: clinical testing. Allele origin: germline.
Comment: This sequence change creates a premature translational stop signal (p.Lys285Argfs*3) in the MYO6 gene. It is expected to result in an absent or disrupted protein product. Loss-of-function variants in MYO6 are known to be pathogenic (PMID: 12687499, 18348273, 23767834, 25999546, 30582396). This variant is not present in population databases (gnomAD no frequency). This variant has not been reported in the literature in individuals affected with MYO6-related conditions. ClinVar contains an entry for this variant (Variation ID: 2070231). For these reasons, this variant has been classified as Pathogenic.

Literature cited by the submitters: PubMed 12687499; PubMed 18348273; PubMed 23767834; PubMed 25999546; PubMed 30582396.

NM_004999.4(MYO6):c.854_855del (p.Lys285fs)

Gene: MYO6 (myosin VI; plus strand). Cytogenetic location: 6q14.1.
Variant type: Deletion.
Coding change: c.854_855del on transcript NM_004999.4 (MANE Select); coding-DNA positions 854 to 855, 2 bases deleted (AA; older notation c.854_855delAA).
Protein change: p.Lys285fs; shifts the reading frame from lysine 285.
Molecular consequence: frameshift variant. On other transcripts: non-coding transcript variant (1).
Genome position (GRCh38, 1-based): chr6:75,844,934-75,844,935, AA deleted; deleting any 2 consecutive bases within chr6:75,844,933-75,844,935 gives the same sequence; the c. name uses the placement nearest the transcript's 3' end. VCF-style (leftmost placement, unchanged base first): chr6-75844932-CAA-C. GRCh37 (hg19) VCF-style: chr6-76554649-CAA-C.
Other names: c.854_855del, p.Lys285fs (NM_001300899.2, NM_001368136.1, NM_001368137.1 and 2 more transcripts); c.839_840del, p.Lys280fs (NM_001368138.1); short protein forms K280fs, K285fs.
Identifiers: ClinVar variation 2070231 (VCV002070231.4), dbSNP rs2535140952, ClinGen allele CA2580075847.